The following is an entry in ClinVar:

NM_173086.5(KRT6C):c.30C>G (p.Ser10Arg)

Gene: KRT6C (keratin 6C; minus strand). Cytogenetic location: 12q13.13.
Variant type: single nucleotide variant.
Coding change: c.30C>G on transcript NM_173086.5 (MANE Select); coding-DNA position 30, C replaced by G.
Protein change: p.Ser10Arg; replaces serine 10 with arginine.
Molecular consequence: missense variant.
Genome position (GRCh38, 1-based): chr12:52,473,708, G>C on the plus strand (C>G on the coding strand, the complement: KRT6C is on the minus strand). VCF-style: chr12-52473708-G-C. GRCh37 (hg19) VCF-style: chr12-52867492-G-C.
Other names: short protein forms S10R.
Identifiers: ClinVar variation 2428843 (VCV002428843.3), dbSNP rs775024476, ClinGen allele CA384948029.

ClinVar aggregate classification (germline): Uncertain significance (1 of 4 stars; one submission).

Allele frequency attached by ClinVar (database versions not stated): gnomAD 0.00001.
gnomAD v4.1: 1 of 1,613,666 alleles (0.000062%); highest among the groups gnomAD compares: African/African-American, 0.0013%; no homozygotes.

Submission:

GeneDx
Classification: Uncertain significance. Last evaluated: 2022-08-03. Review status: criteria provided, single submitter. Criteria: GeneDx Variant Classification Process June 2021. Collection method: clinical testing. Allele origin: germline. Affected: yes.
Comment: Not observed at significant frequency in large population cohorts (gnomAD); In silico analysis supports that this missense variant does not alter protein structure/function; Has not been previously published as pathogenic or benign to our knowledge; Located in the variable, non-helical amino-terminal head domain